The following is an entry in ClinVar:

NM_152564.5(VPS13B):c.7295C>T (p.Thr2432Ile)

Gene: VPS13B (vacuolar protein sorting 13 homolog B; plus strand). Cytogenetic location: 8q22.2.
Variant type: single nucleotide variant.
Coding change: c.7295C>T on transcript NM_152564.5 (MANE Select); coding-DNA position 7295, C replaced by T.
Protein change: p.Thr2432Ile; replaces threonine 2432 with isoleucine.
Molecular consequence: missense variant.
Genome position (GRCh38, 1-based): chr8:99,776,822, C>T. VCF-style: chr8-99776822-C-T. GRCh37 (hg19) VCF-style: chr8-100789050-C-T.
Other names: c.7370C>T, p.Thr2457Ile (NM_017890.5); short protein forms T2432I, T2457I.
Identifiers: ClinVar variation 1209715 (VCV001209715.5), dbSNP rs2130668061, ClinGen allele CA371875637.
Genomic context (GRCh38, chr8:99,776,822, plus strand): 5'-TTCTTTCCCATAGCTCTGCAAGTGAGTCTGGTTCTCAAAGCACTTGTGATCCACTTGTGA[C>T]TCCAACAGCCCTGGCTGCCTGTACCAGAGTTGACTCCTGCTTTACCCCATGGTTTGTCCC-3'
Protein context (NP_689777.3, residues 2422-2442): GSQSTCDPLV[Thr2432Ile]PTALAACTRV

ClinVar aggregate classification (germline): Uncertain significance. Review status: criteria provided, multiple submitters, no conflicts (2 of 4 stars). 2 submissions from 2 submitters: Uncertain significance (2). Last evaluated 2024-04-25.

Conditions:
Cohen syndrome (COH1). Also called: PEPPER SYNDROME; Cutis verticis gyrata, retinitis pigmentosa, and sensorineural deafness. Identifiers: Orphanet 193, MedGen C0265223, MONDO:0008999, OMIM 216550.

Submissions (2):

Labcorp Genetics (formerly Invitae), Labcorp
Classification: Uncertain significance for Cohen syndrome. Last evaluated: 2024-04-25. Review status: criteria provided, single submitter. Criteria: Invitae Variant Classification Sherloc (09022015). Collection method: clinical testing. Allele origin: germline.
Comment: This sequence change replaces threonine, which is neutral and polar, with isoleucine, which is neutral and non-polar, at codon 2457 of the VPS13B protein (p.Thr2457Ile). This variant is not present in population databases (gnomAD no frequency). This variant has not been reported in the literature in individuals affected with VPS13B-related conditions. ClinVar contains an entry for this variant (Variation ID: 1209715). Advanced modeling of protein sequence and biophysical properties (such as structural, functional, and spatial information, amino acid conservation, physicochemical variation, residue mobility, and thermodynamic stability) performed at Invitae indicates that this missense variant is expected to disrupt VPS13B protein function with a positive predictive value of 80%. In summary, the available evidence is currently insufficient to determine the role of this variant in disease. Therefore, it has been classified as a Variant of Uncertain Significance.

Genome-Nilou Lab
Classification: Uncertain significance for Cohen syndrome. Last evaluated: 2021-07-22. Review status: criteria provided, single submitter. Criteria: ACMG Guidelines, 2015. Collection method: clinical testing. Allele origin: germline. Affected: no.